The following is an entry in ClinVar:

ClinVar aggregate classification (germline): Uncertain significance. Review status: criteria provided, multiple submitters, no conflicts (2 of 4 stars). 2 submissions from 2 submitters: Uncertain significance (2). Last evaluated 2026-03-31.

Conditions:
MYO7A-related disorder. Also called: MYO7A-related disorders.

gnomAD v4.1: 5 of 1,610,006 alleles (0.00031%); highest among the groups gnomAD compares: Admixed American, 0.0067%; no homozygotes.

Submissions (2):

PreventionGenetics, part of Exact Sciences
Classification: Uncertain significance for MYO7A-related condition. Last evaluated: 2026-03-31. Review status: criteria provided, single submitter. Criteria: ACMG Guidelines, 2015. Collection method: clinical testing. Allele origin: germline.
Comment: The MYO7A c.5833C>T variant is predicted to result in the amino acid substitution p.Leu1945Phe. To our knowledge, this variant has not been reported in the literature. This variant is reported in 0.012% of alleles in individuals of Latino descent in gnomAD. At this time, the clinical significance of this variant is uncertain due to the absence of conclusive functional and genetic evidence.

Labcorp Genetics (formerly Invitae), Labcorp
Classification: Uncertain significance. Last evaluated: 2025-04-30. Review status: criteria provided, single submitter. Criteria: Invitae Variant Classification Sherloc (09022015). Collection method: clinical testing. Allele origin: germline.
Comment: This sequence change replaces leucine, which is neutral and non-polar, with phenylalanine, which is neutral and non-polar, at codon 1945 of the MYO7A protein (p.Leu1945Phe). This variant is present in population databases (rs759083831, gnomAD 0.01%). This variant has not been reported in the literature in individuals affected with MYO7A-related conditions. Invitae Evidence Modeling of protein sequence and biophysical properties (such as structural, functional, and spatial information, amino acid conservation, physicochemical variation, residue mobility, and thermodynamic stability) indicates that this missense variant is expected to disrupt MYO7A protein function with a positive predictive value of 80%. In summary, the available evidence is currently insufficient to determine the role of this variant in disease. Therefore, it has been classified as a Variant of Uncertain Significance.

NM_000260.4(MYO7A):c.5833C>T (p.Leu1945Phe)

Gene: MYO7A (myosin VIIA; plus strand). Cytogenetic location: 11q13.5.
Variant type: single nucleotide variant.
Coding change: c.5833C>T on transcript NM_000260.4 (MANE Select); coding-DNA position 5833, C replaced by T.
Protein change: p.Leu1945Phe; replaces leucine 1945 with phenylalanine.
Molecular consequence: missense variant.
Genome position (GRCh38, 1-based): chr11:77,207,379, C>T. VCF-style: chr11-77207379-C-T. GRCh37 (hg19) VCF-style: chr11-76918424-C-T.
Other names: c.5833C>T (NM_000260.3); c.5719C>T, p.Leu1907Phe (NM_001127180.2); c.5686C>T, p.Leu1896Phe (NM_001369365.1); short protein forms L1896F, L1907F, L1945F.
Identifiers: ClinVar variation 4701405 (VCV004701405.2).